The following is an entry in ClinVar:

NM_000187.4(HGD):c.109T>G (p.Tyr37Asp)

Gene: HGD (homogentisate 1,2-dioxygenase; minus strand). Cytogenetic location: 3q13.33.
Variant type: single nucleotide variant.
Coding change: c.109T>G on transcript NM_000187.4 (MANE Select); coding-DNA position 109, T replaced by G.
Protein change: p.Tyr37Asp; replaces tyrosine 37 with aspartic acid.
Molecular consequence: missense variant.
Genome position (GRCh38, 1-based): chr3:120,674,968, A>C on the plus strand (T>G on the coding strand, the complement: HGD is on the minus strand). VCF-style: chr3-120674968-A-C. GRCh37 (hg19) VCF-style: chr3-120393815-A-C.
Other names: short protein forms Y37D.
Identifiers: ClinVar variation 1980706 (VCV001980706.4), dbSNP rs2472801357, ClinGen allele CA354082190.

ClinVar aggregate classification (germline): Uncertain significance (1 of 4 stars; one submission).

Conditions:
Alkaptonuria (AKU). Also called: HOMOGENTISIC ACID OXIDASE DEFICIENCY; Homogentisic acidura; Alkaptonuric ochronosis; Alcaptonuria. Identifiers: Orphanet 56, MedGen C0002066, MONDO:0008753, OMIM 203500.

Submission:

Labcorp Genetics (formerly Invitae), Labcorp
Classification: Uncertain significance for Alkaptonuria. Last evaluated: 2022-08-13. Review status: criteria provided, single submitter. Criteria: Invitae Variant Classification Sherloc (09022015). Collection method: clinical testing. Allele origin: germline.
Comment: In summary, the available evidence is currently insufficient to determine the role of this variant in disease. Therefore, it has been classified as a Variant of Uncertain Significance. Advanced modeling of protein sequence and biophysical properties (such as structural, functional, and spatial information, amino acid conservation, physicochemical variation, residue mobility, and thermodynamic stability) performed at Invitae indicates that this missense variant is expected to disrupt HGD protein function. This missense change has been observed in individual(s) with clinical features of alkaptonuria (Invitae). This variant is not present in population databases (gnomAD no frequency). This sequence change replaces tyrosine, which is neutral and polar, with aspartic acid, which is acidic and polar, at codon 37 of the HGD protein (p.Tyr37Asp).